The following is an entry in ClinVar:

ClinVar aggregate classification (germline): Benign. Review status: criteria provided, multiple submitters, no conflicts (2 of 4 stars). 21 submissions from 14 submitters: Benign (19). 2 of the submissions do not count toward it. Last evaluated 2026-02-04.

Conditions:
Cardiovascular phenotype. Identifiers: MedGen CN230736.
Dilated cardiomyopathy 1G (CMD1G). Identifiers: Orphanet 154, MedGen C1858763, MONDO:0011400, OMIM 604145.
Autosomal recessive limb-girdle muscular dystrophy type 2J (LGMDR10). Also called: Limb-girdle muscular dystrophy, type 2J; MUSCULAR DYSTROPHY, LIMB-GIRDLE, AUTOSOMAL RECESSIVE 10. Identifiers: Orphanet 140922, MedGen C1837342, MONDO:0012127, OMIM 608807.
Early-onset myopathy with fatal cardiomyopathy (CMYO5). Also called: CONGENITAL MYOPATHY 5 WITH CARDIOMYOPATHY; Salih Myopathy. Identifiers: Orphanet 289377, MedGen C2673677, MONDO:0012714, OMIM 611705. Disease mechanism: loss of function.
Myopathy, myofibrillar, 9, with early respiratory failure (MFM9). Also called: MYOPATHY, PROXIMAL, WITH EARLY RESPIRATORY MUSCLE INVOLVEMENT; Myopathy, distal, with early respiratory failure, autosomal dominant; Hereditary myopathy with early respiratory failure; EDSTROM MYOPATHY. Identifiers: Orphanet 178464, Orphanet 34521, MedGen C1863599, MONDO:0011362, OMIM 603689.
Tibial muscular dystrophy (TMD). Also called: Tibial muscular dystrophy, tardive; UDD MYOPATHY; Udd Distal Myopathy – Tibial Muscular Dystrophy. Identifiers: Orphanet 609, MedGen C1838244, MONDO:0010870, OMIM 600334.

Allele frequency attached by ClinVar (database versions not stated): ESP Exome Variant Server 0.03629; gnomAD 0.05117 and 0.05304; gnomAD exomes 0.05603 and 0.08172; TOPMed 0.06295; ExAC 0.07451; 1000 Genomes Project 30x 0.07714; 1000 Genomes Project 0.07768.
gnomAD v4.1: 89,791 of 1,613,014 alleles (5.6%); highest among the groups gnomAD compares: Admixed American, 21%; 4,069 homozygotes.

Submissions (21):

Labcorp Genetics (formerly Invitae), Labcorp
Classification: Benign for Dilated cardiomyopathy 1G; Autosomal recessive limb-girdle muscular dystrophy type 2J. Last evaluated: 2026-02-04. Review status: criteria provided, single submitter. Criteria: Invitae Variant Classification Sherloc (09022015). Collection method: clinical testing. Allele origin: germline.

Molecular Diagnostic Laboratory for Inherited Cardiovascular Disease, Montreal Heart Institute
Classification: Benign. Last evaluated: 2025-04-09. Review status: criteria provided, single submitter. Criteria: ACMG Guidelines, 2015. Collection method: clinical testing. Allele origin: germline. Affected: no.

Genome-Nilou Lab
Classification: Benign for Autosomal recessive limb-girdle muscular dystrophy type 2J. Last evaluated: 2021-09-10. Review status: criteria provided, single submitter. Criteria: ACMG Guidelines, 2015. Collection method: clinical testing. Allele origin: germline. Affected: no.

Genome-Nilou Lab
Classification: Benign for Myopathy, myofibrillar, 9, with early respiratory failure. Last evaluated: 2021-09-10. Review status: criteria provided, single submitter. Criteria: ACMG Guidelines, 2015. Collection method: clinical testing. Allele origin: germline. Affected: no.

Genome-Nilou Lab
Classification: Benign for Early-onset myopathy with fatal cardiomyopathy. Last evaluated: 2021-09-10. Review status: criteria provided, single submitter. Criteria: ACMG Guidelines, 2015. Collection method: clinical testing. Allele origin: germline. Affected: no.

Genome-Nilou Lab
Classification: Benign for Tibial muscular dystrophy. Last evaluated: 2021-09-10. Review status: criteria provided, single submitter. Criteria: ACMG Guidelines, 2015. Collection method: clinical testing. Allele origin: germline. Affected: no.

Women's Health and Genetics/Laboratory Corporation of America, LabCorp
Classification: Benign. Last evaluated: 2019-08-19. Review status: criteria provided, single submitter. Criteria: LabCorp Variant Classification Summary - May 2015. Collection method: clinical testing. Allele origin: germline.

Illumina Laboratory Services, Illumina
Classification: Benign for Autosomal recessive limb-girdle muscular dystrophy type 2J. Last evaluated: 2018-01-13. Review status: criteria provided, single submitter. Criteria: ICSL Variant Classification Criteria 13 December 2019. Collection method: clinical testing. Allele origin: germline.
Comment: This variant was observed in the ICSL laboratory as part of a predisposition screen in an ostensibly healthy population. It had not been previously curated by ICSL or reported in the Human Gene Mutation Database (HGMD: prior to June 1st, 2018), and was therefore a candidate for classification through an automated scoring system. Utilizing variant allele frequency, disease prevalence and penetrance estimates, and inheritance mode, an automated score was calculated to assess if this variant is too frequent to cause the disease. Based on the score and internal cut-off values, a variant classified as benign is not then subjected to further curation. The score for this variant resulted in a classification of benign for this disease.

Illumina Laboratory Services, Illumina
Classification: Benign for Tibial muscular dystrophy. Last evaluated: 2018-01-13. Review status: criteria provided, single submitter. Criteria: ICSL Variant Classification Criteria 13 December 2019. Collection method: clinical testing. Allele origin: germline.
Comment: the same text as in the submission from Illumina Laboratory Services, Illumina above.

Illumina Laboratory Services, Illumina
Classification: Benign for Myopathy, myofibrillar, 9, with early respiratory failure. Last evaluated: 2018-01-13. Review status: criteria provided, single submitter. Criteria: ICSL Variant Classification Criteria 13 December 2019. Collection method: clinical testing. Allele origin: germline.
Comment: the same text as in the submission from Illumina Laboratory Services, Illumina above.

Illumina Laboratory Services, Illumina
Classification: Benign for Dilated cardiomyopathy 1G. Last evaluated: 2018-01-13. Review status: criteria provided, single submitter. Criteria: ICSL Variant Classification Criteria 13 December 2019. Collection method: clinical testing. Allele origin: germline.
Comment: the same text as in the submission from Illumina Laboratory Services, Illumina above.

Illumina Laboratory Services, Illumina
Classification: Benign for Early-onset myopathy with fatal cardiomyopathy. Last evaluated: 2018-01-13. Review status: criteria provided, single submitter. Criteria: ICSL Variant Classification Criteria 13 December 2019. Collection method: clinical testing. Allele origin: germline.
Comment: the same text as in the submission from Illumina Laboratory Services, Illumina above.

Mayo Clinic Laboratories, Mayo Clinic
Classification: Benign. Last evaluated: 2017-07-25. Review status: criteria provided, single submitter. Criteria: ACMG Guidelines, 2015. Collection method: clinical testing. Allele origin: germline. Observed: 281 variant alleles.

Genetic Services Laboratory, University of Chicago
Classification: Benign for AllHighlyPenetrant. Last evaluated: 2013-08-15. Review status: criteria provided, single submitter. Criteria: ACMG Guidelines, 2007. Collection method: clinical testing. Allele origin: germline.

Ambry Genetics
Classification: Benign for Cardiovascular phenotype. Last evaluated: 2013-01-15. Review status: criteria provided, single submitter. Criteria: Ambry Autosomal Dominant and X-Linked criteria (10/2015). Collection method: clinical testing. Allele origin: germline. Observed: 1 variant allele.

GeneDx
Classification: Benign. Last evaluated: 2012-10-19. Review status: criteria provided, single submitter. Criteria: GeneDx Variant Classification (06012015). Collection method: clinical testing. Allele origin: germline. Affected: yes.
Comment: This variant is considered likely benign or benign based on one or more of the following criteria: it is a conservative change, it occurs at a poorly conserved position in the protein, it is predicted to be benign by multiple in silico algorithms, and/or has population frequency not consistent with disease.

Laboratory for Molecular Medicine, Mass General Brigham Personalized Medicine
Classification: Benign. Last evaluated: 2012-04-24. Review status: criteria provided, single submitter. Criteria: LMM Criteria. Collection method: clinical testing. Allele origin: germline. Observed: 168 variant alleles.

Breakthrough Genomics
Classification: Benign. Review status: criteria provided, single submitter. Criteria: ACMG Guidelines, 2015. Collection method: not provided. Allele origin: germline. Inheritance: Autosomal recessive inheritance. Affected: yes.

PreventionGenetics, part of Exact Sciences
Classification: Benign. Review status: criteria provided, single submitter. Criteria: ACMG Guidelines, 2015. Collection method: clinical testing. Allele origin: germline.

Clinical Genetics DNA and cytogenetics Diagnostics Lab, Erasmus MC, Erasmus Medical Center
Classification: Benign. Review status: no assertion criteria provided. Collection method: clinical testing. Allele origin: germline. Affected: yes. Study: VKGL Data-share Consensus. Not counted in ClinVar's aggregate classification.

Clinical Genetics, Academic Medical Center
Classification: Benign. Review status: no assertion criteria provided. Collection method: clinical testing. Allele origin: germline. Affected: yes. Study: VKGL Data-share Consensus. Not counted in ClinVar's aggregate classification.

NM_001267550.2(TTN):c.3087T>C (p.Tyr1029=)

Gene: TTN (titin; minus strand). Cytogenetic location: 2q31.2.
Variant type: single nucleotide variant.
Coding change: c.3087T>C on transcript NM_001267550.2 (MANE Select); coding-DNA position 3087, T replaced by C.
Protein change: p.Tyr1029=; no amino-acid change (tyrosine 1029 retained).
Molecular consequence: synonymous variant.
Genome position (GRCh38, 1-based): chr2:178,782,819, A>G on the plus strand (T>C on the coding strand, the complement: TTN is on the minus strand). VCF-style: chr2-178782819-A-G. GRCh37 (hg19) VCF-style: chr2-179647546-A-G.
Other names: p.Y1029Y:TAT>TAC; p.Tyr1029=; c.2949T>C, p.Tyr983= (NM_003319.4, NM_133432.3, NM_133437.4); c.3087T>C, p.Tyr1029= (NM_133379.5, NM_001256850.1, NM_133378.4).
Identifiers: ClinVar variation 46907 (VCV000046907.33), dbSNP rs55863869, ClinGen allele CA283165.